The following is an entry in ClinVar:

ClinVar aggregate classification (germline): Likely pathogenic (1 of 4 stars; one submission).

Conditions:
Early-infantile DEE. Also called: Early infantile epileptic encephalopathy; Early infantile epileptic encephalopathy with suppression bursts; Ohtahara syndrome. Identifiers: Orphanet 1934, MedGen C0393706, MONDO:0800491.

Submission:

Labcorp Genetics (formerly Invitae), Labcorp
Classification: Likely pathogenic for Early-infantile DEE. Last evaluated: 2023-01-07. Review status: criteria provided, single submitter. Criteria: Invitae Variant Classification Sherloc (09022015). Collection method: clinical testing. Allele origin: germline.
Comment: This variant is not present in population databases (gnomAD no frequency). This sequence change replaces leucine, which is neutral and non-polar, with arginine, which is basic and polar, at codon 209 of the SCN1A protein (p.Leu209Arg). This variant has not been reported in the literature in individuals affected with SCN1A-related conditions. In summary, the currently available evidence indicates that the variant is pathogenic, but additional data are needed to prove that conclusively. Therefore, this variant has been classified as Likely Pathogenic. This variant disrupts the p.Leu209 amino acid residue in SCN1A. Other variant(s) that disrupt this residue have been determined to be pathogenic (PMID: 31031587, 31618474). This suggests that this residue is clinically significant, and that variants that disrupt this residue are likely to be disease-causing. Advanced modeling of protein sequence and biophysical properties (such as structural, functional, and spatial information, amino acid conservation, physicochemical variation, residue mobility, and thermodynamic stability) performed at Invitae indicates that this missense variant is expected to disrupt SCN1A protein function.

Literature cited by the submitters: PubMed 31031587; PubMed 31618474.

NM_001165963.4(SCN1A):c.626T>G (p.Leu209Arg)

Gene: SCN1A (sodium voltage-gated channel alpha subunit 1; minus strand). Cytogenetic location: 2q24.3.
Variant type: single nucleotide variant.
Coding change: c.626T>G on transcript NM_001165963.4 (MANE Select); coding-DNA position 626, T replaced by G.
Protein change: p.Leu209Arg; replaces leucine 209 with arginine.
Molecular consequence: missense variant. On other transcripts: 5 prime UTR variant (1), non-coding transcript variant (1).
Genome position (GRCh38, 1-based): chr2:166,052,920, A>C on the plus strand (T>G on the coding strand, the complement: SCN1A is on the minus strand). VCF-style: chr2-166052920-A-C. GRCh37 (hg19) VCF-style: chr2-166909430-A-C.
Other names: c.626T>G, p.Leu209Arg (NM_001165964.3, NM_001202435.3, NM_001353948.2 and 10 more transcripts); c.-1800T>G (NM_001353961.2); short protein forms L209R.
Identifiers: ClinVar variation 2826806 (VCV002826806.3), dbSNP rs2468233753, ClinGen allele CA349074317.